The following is an entry in ClinVar:

NM_000038.6(APC):c.4655_4656del (p.Glu1552fs)

Gene: APC (APC regulator of Wnt signaling pathway; plus strand). Cytogenetic location: 5q22.2.
Variant type: Microsatellite.
Coding change: c.4655_4656del on transcript NM_000038.6 (MANE Select); coding-DNA positions 4655 to 4656, 2 bases deleted (AG; older notation c.4655_4656delAG).
Protein change: p.Glu1552fs; shifts the reading frame from glutamic acid 1552.
Molecular consequence: frameshift variant.
Genome position (GRCh38, 1-based): chr5:112,840,249-112,840,250, AG deleted; deleting any 2 consecutive bases within chr5:112,840,247-112,840,250 gives the same sequence; the c. name uses the placement nearest the transcript's 3' end. VCF-style (leftmost placement, unchanged base first): chr5-112840246-AAG-A. GRCh37 (hg19) VCF-style: chr5-112175943-AAG-A.
Other names: c.4655_4656delAG (NM_000038.5); c.4655_4656del, p.Glu1552fs (NM_001127510.3, NM_001354895.2); c.4601_4602del, p.Glu1534fs (NM_001127511.3); c.4709_4710del, p.Glu1570fs (NM_001354896.2); c.4685_4686del, p.Glu1562fs (NM_001354897.2); c.4580_4581del, p.Glu1527fs (NM_001354898.2); c.4571_4572del, p.Glu1524fs (NM_001354899.2); c.4532_4533del, p.Glu1511fs (NM_001354900.2); and 6 more; short protein forms E1269fs, E1392fs, E1451fs, E1570fs, E1534fs, E1426fs, E1461fs, E1493fs.
Identifiers: ClinVar variation 959361 (VCV000959361.17), dbSNP rs1765732008, ClinGen allele CA658760764.
Genomic context (GRCh38, chr5:112,840,246, plus strand): 5'-ATGACAATGGGAATGAAACAGAATCAGAGCAGCCTAAAGAATCAAATGAAAACCAAGAGA[AAG>A]AGGCAGAAAAAACTATTGATTCTGAAAAGGACCTATTAGATGATTCAGATGATGATGATA-3'

ClinVar aggregate classification (germline): Pathogenic/Likely pathogenic. Review status: criteria provided, multiple submitters, no conflicts (2 of 4 stars). 3 submissions from 3 submitters: Pathogenic (2); Likely pathogenic (1). Last evaluated 2025-08-13.

Conditions:
Familial adenomatous polyposis 1 (FAP1). Also called: POLYPOSIS, ADENOMATOUS INTESTINAL; FAMILIAL ADENOMATOUS POLYPOSIS 1, ATTENUATED. Identifiers: MedGen C2713442, MONDO:0021056, OMIM 175100. Disease mechanism: loss of function.

Submissions (3):

Labcorp Genetics (formerly Invitae), Labcorp
Classification: Pathogenic for Familial adenomatous polyposis 1. Last evaluated: 2025-08-13. Review status: criteria provided, single submitter. Criteria: Invitae Variant Classification Sherloc (09022015). Collection method: clinical testing. Allele origin: germline.
Comment: This sequence change creates a premature translational stop signal (p.Glu1552Glyfs*6) in the APC gene. While this is not anticipated to result in nonsense mediated decay, it is expected to disrupt the last 1292 amino acid(s) of the APC protein. This variant is not present in population databases (gnomAD no frequency). This premature translational stop signal has been observed in individual(s) with clinical features of familial adenomatous polyposis (PMID: 11145293, 19444466, 20685668, 21643010). ClinVar contains an entry for this variant (Variation ID: 959361). This variant is expected to disrupt the EB1 and HDLG binding sites, which mediate interactions with the cytoskeleton (PMID: 15311282, 17293347). While functional studies have not been performed to directly test the effect on APC protein function, this suggests that disruption of the C-terminal portion of the protein is functionally important. A different truncation (p.Tyr2645Lysfs*14) that lies downstream of this variant has been determined to be pathogenic (PMID: 9824584, 1316610, 27081525, 8381579, 22135120, internal data). This suggests that deletion of this region of the APC protein is causative of disease. For these reasons, this variant has been classified as Pathogenic.

Myriad Genetics, Inc.
Classification: Pathogenic for Familial adenomatous polyposis 1. Last evaluated: 2023-05-11. Review status: criteria provided, single submitter. Criteria: Myriad Autosomal Dominant, Autosomal Recessive and X-Linked Classification Criteria (2023). Collection method: clinical testing. Allele origin: unknown.
Comment: This variant is considered pathogenic. This variant creates a frameshift predicted to result in premature protein truncation.

Mayo Clinic Laboratories, Mayo Clinic
Classification: Likely pathogenic. Last evaluated: 2020-10-28. Review status: criteria provided, single submitter. Criteria: ACMG Guidelines, 2015. Collection method: clinical testing. Allele origin: germline. Observed: 1 variant allele.
Comment: PVS1_Strong, PM2, PP4

Literature cited by the submitters: PubMed 11145293 (cited by Labcorp Genetics (formerly Invitae), Labcorp and Mayo Clinic Laboratories, Mayo Clinic); PubMed 19444466 (cited by Labcorp Genetics (formerly Invitae), Labcorp and Mayo Clinic Laboratories, Mayo Clinic); PubMed 20685668 (cited by Labcorp Genetics (formerly Invitae), Labcorp and Mayo Clinic Laboratories, Mayo Clinic); PubMed 21643010 (cited by Labcorp Genetics (formerly Invitae), Labcorp and Mayo Clinic Laboratories, Mayo Clinic); PubMed 15311282 (cited by Labcorp Genetics (formerly Invitae), Labcorp); PubMed 17293347 (cited by Labcorp Genetics (formerly Invitae), Labcorp); PubMed 9824584 (cited by Labcorp Genetics (formerly Invitae), Labcorp); PubMed 1316610 (cited by Labcorp Genetics (formerly Invitae), Labcorp); PubMed 27081525 (cited by Labcorp Genetics (formerly Invitae), Labcorp and Mayo Clinic Laboratories, Mayo Clinic); PubMed 8381579 (cited by Labcorp Genetics (formerly Invitae), Labcorp); PubMed 22135120 (cited by Labcorp Genetics (formerly Invitae), Labcorp).